The following is an entry in ClinVar:

NM_004006.3(DMD):c.10939A>G (p.Ser3647Gly)

Gene: DMD (dystrophin; minus strand). Cytogenetic location: Xp21.2.
Variant type: single nucleotide variant.
Coding change: c.10939A>G on transcript NM_004006.3 (MANE Select); coding-DNA position 10939, A replaced by G.
Protein change: p.Ser3647Gly; replaces serine 3647 with glycine.
Molecular consequence: missense variant.
Genome position (GRCh38, 1-based): chrX:31,134,177, T>C on the plus strand (A>G on the coding strand, the complement: DMD is on the minus strand). VCF-style: chrX-31134177-T-C. GRCh37 (hg19) VCF-style: chrX-31152294-T-C.
Other names: c.10915A>G, p.Ser3639Gly (NM_000109.4); c.10927A>G, p.Ser3643Gly (NM_004009.3); c.10570A>G, p.Ser3524Gly (NM_004010.3); c.6916A>G, p.Ser2306Gly (NM_004011.4); c.6907A>G, p.Ser2303Gly (NM_004012.4); c.3559A>G, p.Ser1187Gly (NM_004013.3, NM_004021.3); c.2752A>G, p.Ser918Gly (NM_004014.3); c.1735A>G, p.Ser579Gly (NM_004015.3, NM_004016.3); and 3 more; short protein forms S1174G, S3524G, S2303G, S566G, S579G, S918G, S3639G, S1077G.
Identifiers: ClinVar variation 3729023 (VCV003729023.2).
Genomic context (GRCh38, chrX:31,134,177, plus strand): 5'-AGGAGTTGTTGAGTTGCTCCATCACCTCCTCTAACCCTGTGCTTGTGTCCTGGGGAGGAC[T>C]GAGAAGATCTTCCTCACCTTAATAAAAGCAAAAACAAATAATGGAAAATTACATTTATAG-3'
Protein context (NP_003997.2, residues 3637-3657): SDSMGEEDLL[Ser3647Gly]PPQDTSTGLE

ClinVar aggregate classification (germline): Uncertain significance (1 of 4 stars; one submission).

Conditions:
Duchenne muscular dystrophy (DMD). Also called: Duchenne Muscular Dystrophy (DMD); MUSCULAR DYSTROPHY, PSEUDOHYPERTROPHIC PROGRESSIVE, DUCHENNE TYPE. Identifiers: Orphanet 98896, MedGen C0013264, MONDO:0010679, OMIM 310200.

gnomAD v4.1: 3 of 1,207,464 alleles (0.00025%); highest among the groups gnomAD compares: Non-Finnish European, 0.00022%; no homozygotes.

Submission:

Labcorp Genetics (formerly Invitae), Labcorp
Classification: Uncertain significance for Duchenne muscular dystrophy. Last evaluated: 2025-07-31. Review status: criteria provided, single submitter. Criteria: Invitae Variant Classification Sherloc (09022015). Collection method: clinical testing. Allele origin: germline.
Comment: This sequence change replaces serine, which is neutral and polar, with glycine, which is neutral and non-polar, at codon 3647 of the DMD protein (p.Ser3647Gly). This variant is present in population databases (rs767535529, gnomAD 0.001%). This variant has not been reported in the literature in individuals affected with DMD-related conditions. ClinVar contains an entry for this variant (Variation ID: 3729023). Invitae Evidence Modeling of protein sequence and biophysical properties (such as structural, functional, and spatial information, amino acid conservation, physicochemical variation, residue mobility, and thermodynamic stability) indicates that this missense variant is not expected to disrupt DMD protein function with a negative predictive value of 95%. In summary, the available evidence is currently insufficient to determine the role of this variant in disease. Therefore, it has been classified as a Variant of Uncertain Significance.